The following is an entry in ClinVar:

ClinVar aggregate classification (germline): Benign. Review status: criteria provided, multiple submitters, no conflicts (2 of 4 stars). 2 submissions from 2 submitters: Benign (2). Last evaluated 2018-06-18.

Allele frequency attached by ClinVar (database versions not stated): gnomAD exomes 0.00249; gnomAD 0.01725 and 0.01848; 1000 Genomes Project 30x 0.01811; 1000 Genomes Project 0.01837; TOPMed 0.01992.
gnomAD v4.1: 4,786 of 986,776 alleles (0.49%); highest among the groups gnomAD compares: African/African-American, 5.8%; 110 homozygotes.

Submissions (5):

GeneDx
Classification: Benign. Last evaluated: 2018-06-18. Review status: criteria provided, single submitter. Criteria: GeneDx Variant Classification (06012015). Collection method: clinical testing. Allele origin: germline. Affected: yes.
Comment: This variant is considered likely benign or benign based on one or more of the following criteria: it is a conservative change, it occurs at a poorly conserved position in the protein, it is predicted to be benign by multiple in silico algorithms, and/or has population frequency not consistent with disease.

Breakthrough Genomics
Classification: Benign. Review status: criteria provided, single submitter. Criteria: ACMG Guidelines, 2015. Collection method: not provided. Allele origin: germline. Inheritance: Autosomal recessive inheritance. Affected: yes.

Dr. Peter K. Rogan Lab, Western University
No classification provided (evidence only). Condition: Acute myeloid leukemia. Review status: no classification provided. Collection method: in vitro. Allele origin: not applicable. Functional consequence: retained intron. Not counted in ClinVar's aggregate classification.

Dr. Peter K. Rogan Lab, Western University
No classification provided (evidence only). Condition: Malignant lymphoma, large B-cell, diffuse. Review status: no classification provided. Collection method: in vitro. Allele origin: not applicable. Functional consequence: retained intron. Not counted in ClinVar's aggregate classification.

Dr. Peter K. Rogan Lab, Western University
No classification provided (evidence only). Condition: Cholangiocarcinoma. Review status: no classification provided. Collection method: in vitro. Allele origin: not applicable. Functional consequence: retained intron. Not counted in ClinVar's aggregate classification.

NM_006231.4(POLE):c.801+78A>G

Gene: POLE (DNA polymerase epsilon, catalytic subunit; minus strand). Cytogenetic location: 12q24.33.
Variant type: single nucleotide variant.
Coding change: c.801+78A>G on transcript NM_006231.4 (MANE Select); 78 bases into the intron after coding-DNA position 801, A replaced by G.
Molecular consequence: intron variant.
Genome position (GRCh38, 1-based): chr12:132,677,285, T>C on the plus strand (A>G on the coding strand, the complement: POLE is on the minus strand). VCF-style: chr12-132677285-T-C. GRCh37 (hg19) VCF-style: chr12-133253871-T-C.
Other names: NC_000012.11:g.133253871T>C.
Identifiers: ClinVar variation 676557 (VCV000676557.3), dbSNP rs5744753, ClinGen allele CA246299841.